The following is an entry in ClinVar:

ClinVar aggregate classification (germline): Likely benign (0 of 4 stars; one submission).

Conditions:
APOO-related disorder. Also called: APOO-related condition.

Allele frequency attached by ClinVar (database versions not stated): ExAC 0.00001; gnomAD exomes 0.00001; TOPMed 0.00002; gnomAD 0.00004.
gnomAD v4.1: 12 of 1,199,351 alleles (0.001%); highest among the groups gnomAD compares: Non-Finnish European, 0.0014%; no homozygotes.

Submission:

PreventionGenetics, part of Exact Sciences
Classification: Likely benign for APOO-related condition. Last evaluated: 2021-07-14. Review status: no assertion criteria provided. Collection method: clinical testing. Allele origin: germline.
Comment: This variant is classified as likely benign based on ACMG/AMP sequence variant interpretation guidelines (Richards et al. 2015 PMID: 25741868, with internal and published modifications).

NM_024122.5(APOO):c.486T>C (p.Ser162=)

Gene: APOO (apolipoprotein O; minus strand). Cytogenetic location: Xp22.11.
Variant type: single nucleotide variant.
Coding change: c.486T>C on transcript NM_024122.5 (MANE Select); coding-DNA position 486, T replaced by C.
Protein change: p.Ser162=; no amino-acid change (serine 162 retained).
Molecular consequence: synonymous variant. On other transcripts: non-coding transcript variant (1).
Genome position (GRCh38, 1-based): chrX:23,856,377, A>G on the plus strand (T>C on the coding strand, the complement: APOO is on the minus strand). VCF-style: chrX-23856377-A-G. GRCh37 (hg19) VCF-style: chrX-23874494-A-G.
Identifiers: ClinVar variation 3036211 (VCV003036211.2), dbSNP rs750609010, ClinGen allele CA10370067.